The following is an entry in ClinVar:

ClinVar aggregate classification (germline): Conflicting classifications of pathogenicity. Review status: criteria provided, conflicting classifications (1 of 4 stars). 2 submissions from 2 submitters: Uncertain significance (1); Likely benign (1). Last evaluated 2026-04-13.

Conditions:
Cardiovascular phenotype. Identifiers: MedGen CN230736.

Submissions (2):

Women's Health and Genetics/Laboratory Corporation of America, LabCorp
Classification: Uncertain significance. Last evaluated: 2026-04-13. Review status: criteria provided, single submitter. Criteria: LabCorp Variant Classification Summary - May 2015. Collection method: clinical testing. Allele origin: germline.
Comment: Variant summary: TNXB c.4989G>T (p.Thr1663Thr) alters a conserved nucleotide located close to a canonical splice site and therefore could affect mRNA splicing, leading to a significantly altered protein sequence. Consensus agreement among computation tools predict no significant impact on normal splicing. However, these predictions have yet to be confirmed by functional studies. The variant was absent in 237388 control chromosomes. The available data on variant occurrences in the general population are insufficient to allow any conclusion about variant significance. To our knowledge, no occurrence of c.4989G>T in individuals affected with TNXB-related conditions and no experimental evidence demonstrating its impact on protein function have been reported. ClinVar contains an entry for this variant (Variation ID: 3227286). Based on the evidence outlined above, the variant was classified as uncertain significance.

Ambry Genetics
Classification: Likely benign for Cardiovascular phenotype. Last evaluated: 2023-10-01. Review status: criteria provided, single submitter. Criteria: Ambry Variant Classification Scheme 2023. Collection method: clinical testing. Allele origin: germline.

NM_001365276.2(TNXB):c.4989G>T (p.Thr1663=)

Gene: TNXB (tenascin XB; minus strand). Cytogenetic location: 6p21.33.
Variant type: single nucleotide variant.
Coding change: c.4989G>T on transcript NM_001365276.2 (MANE Select); coding-DNA position 4989, G replaced by T.
Protein change: p.Thr1663=; no amino-acid change (threonine 1663 retained).
Molecular consequence: synonymous variant.
Genome position (GRCh38, 1-based): chr6:32,071,991, C>A on the plus strand (G>T on the coding strand, the complement: TNXB is on the minus strand). VCF-style: chr6-32071991-C-A. GRCh37 (hg19) VCF-style: chr6-32039768-C-A.
Other names: c.5730G>T, p.Thr1910= (NM_001428335.1); c.4989G>T, p.Thr1663= (NM_019105.8).
Identifiers: ClinVar variation 3227286 (VCV003227286.2), dbSNP rs745926021, ClinGen allele CA3734837.